The following is an entry in ClinVar:

ClinVar aggregate classification (germline): Benign. Review status: criteria provided, multiple submitters, no conflicts (2 of 4 stars). 3 submissions from 3 submitters: Benign (3). Last evaluated 2023-10-01.

Conditions:
Occult macular dystrophy (OCMD). Also called: OMD; OCCULT MACULAR DYSTROPHY, SUSCEPTIBILITY TO. Identifiers: Orphanet 247834, MedGen C3150833, MONDO:0013316, OMIM 613587, HP:0030636.
Retinal dystrophy. Also called: Inherited retinal dystrophy. Identifiers: Orphanet 71862, MedGen C0854723, MeSH D058499, MONDO:0019118, HP:0000556.

Allele frequency attached by ClinVar (database versions not stated): 1000 Genomes Project 30x 0.02904; 1000 Genomes Project 0.03035; TOPMed 0.05614; ESP Exome Variant Server 0.06124; gnomAD 0.06424 and 0.06776; ExAC 0.06682; gnomAD exomes 0.06764.
gnomAD v4.1: 123,236 of 1,613,536 alleles (7.6%); highest among the groups gnomAD compares: Non-Finnish European, 8.5%; 5,546 homozygotes.

Submissions (3):

Dept Of Ophthalmology, Nagoya University
Classification: Benign for Retinal dystrophy. Last evaluated: 2023-10-01. Review status: criteria provided, single submitter. Criteria: Submitter's publication. Collection method: research. Allele origin: germline. Affected: yes.

Illumina Laboratory Services, Illumina
Classification: Benign for Occult macular dystrophy. Last evaluated: 2018-01-13. Review status: criteria provided, single submitter. Criteria: ICSL Variant Classification Criteria 13 December 2019. Collection method: clinical testing. Allele origin: germline.
Comment: This variant was observed in the ICSL laboratory as part of a predisposition screen in an ostensibly healthy population. It had not been previously curated by ICSL or reported in the Human Gene Mutation Database (HGMD: prior to June 1st, 2018), and was therefore a candidate for classification through an automated scoring system. Utilizing variant allele frequency, disease prevalence and penetrance estimates, and inheritance mode, an automated score was calculated to assess if this variant is too frequent to cause the disease. Based on the score and internal cut-off values, a variant classified as benign is not then subjected to further curation. The score for this variant resulted in a classification of benign for this disease.

Breakthrough Genomics
Classification: Benign. Review status: criteria provided, single submitter. Criteria: ACMG Guidelines, 2015. Collection method: not provided. Allele origin: germline. Inheritance: Autosomal recessive inheritance. Affected: yes.

NM_178857.6(RP1L1):c.2316G>A (p.Ser772=)

Gene: RP1L1 (RP1 like 1). Cytogenetic location: 8p23.1.
Variant type: single nucleotide variant.
Coding change: c.2316G>A on transcript NM_178857.6 (MANE Select); coding-DNA position 2316, G replaced by A.
Protein change: p.Ser772=; no amino-acid change (serine 772 retained).
Molecular consequence: synonymous variant.
Genome position (GRCh38, 1-based): chr8:10,611,782, C>T on the plus strand (G>A on the coding strand, the complement: RP1L1 is on the minus strand). VCF-style: chr8-10611782-C-T. GRCh37 (hg19) VCF-style: chr8-10469292-C-T.
Identifiers: ClinVar variation 361352 (VCV000361352.7), dbSNP rs62490857, ClinGen allele CA4624874.
Genomic context (GRCh38, chr8:10,611,782, plus strand): 5'-CAGGCTGGCAGCCCCAGATTTTGAGCAGGAGTCGGATGTGTGGGGAGGTATGGGGGCCGG[C>T]GAGCATGTCCTGGACCCCGCGTCCCCTGCCCACCCGGCAGAGGGAGCGTTGTGCGGGGAG-3'
Protein context (NP_849188.4, residues 762-782): WAGDAGSRTC[Ser772=]PAPIPPHTSD